The following is an entry in ClinVar:

ClinVar aggregate classification (germline): Likely benign (1 of 4 stars; one submission).

Conditions:
BBS2-related disorder. Also called: BBS2-related disorders; BBS2-related condition. Identifiers: MedGen CN239228.

Submission:

PreventionGenetics, part of Exact Sciences
Classification: Likely benign for BBS2-related condition. Last evaluated: 2025-03-25. Review status: criteria provided, single submitter. Criteria: ACMG Guidelines, 2015. Collection method: clinical testing. Allele origin: germline.
Comment: This variant is classified as likely benign based on ACMG/AMP sequence variant interpretation guidelines (Richards et al. 2015 PMID: 25741868, with internal and published modifications).

NM_031885.5(BBS2):c.2154A>C (p.Thr718=)

Gene: BBS2 (Bardet-Biedl syndrome 2; minus strand). Cytogenetic location: 16q13.
Variant type: single nucleotide variant.
Coding change: c.2154A>C on transcript NM_031885.5 (MANE Select); coding-DNA position 2154, A replaced by C.
Protein change: p.Thr718=; no amino-acid change (threonine 718 retained).
Molecular consequence: synonymous variant. On other transcripts: non-coding transcript variant (5).
Genome position (GRCh38, 1-based): chr16:56,484,773, T>G on the plus strand (A>C on the coding strand, the complement: BBS2 is on the minus strand). VCF-style: chr16-56484773-T-G. GRCh37 (hg19) VCF-style: chr16-56518685-T-G.
Other names: c.2154A>C, p.Thr718= (NM_001377456.1).
Identifiers: ClinVar variation 5002464 (VCV005002464.1).